The following is an entry in ClinVar:

ClinVar aggregate classification (germline): Uncertain significance (1 of 4 stars; one submission).

Conditions:
D-2-hydroxyglutaric aciduria 1 (D2HGA1). Identifiers: Orphanet 79315, MedGen C3152055, MONDO:0024554, OMIM 600721.

Allele frequency attached by ClinVar (database versions not stated): gnomAD 0.00001; TOPMed 0.00002.

Submission:

Labcorp Genetics (formerly Invitae), Labcorp
Classification: Uncertain significance for D-2-hydroxyglutaric aciduria 1. Last evaluated: 2024-06-10. Review status: criteria provided, single submitter. Criteria: Invitae Variant Classification Sherloc (09022015). Collection method: clinical testing. Allele origin: germline.
Comment: This sequence change replaces valine, which is neutral and non-polar, with methionine, which is neutral and non-polar, at codon 429 of the D2HGDH protein (p.Val429Met). This variant is present in population databases (rs769624048, gnomAD 0.01%). This variant has not been reported in the literature in individuals affected with D2HGDH-related conditions. ClinVar contains an entry for this variant (Variation ID: 1015220). Advanced modeling of protein sequence and biophysical properties (such as structural, functional, and spatial information, amino acid conservation, physicochemical variation, residue mobility, and thermodynamic stability) performed at Invitae indicates that this missense variant is not expected to disrupt D2HGDH protein function with a negative predictive value of 80%. Algorithms developed to predict the effect of sequence changes on RNA splicing suggest that this variant may create or strengthen a splice site. In summary, the available evidence is currently insufficient to determine the role of this variant in disease. Therefore, it has been classified as a Variant of Uncertain Significance.

NM_152783.5(D2HGDH):c.1285G>A (p.Val429Met)

Gene: D2HGDH (D-2-hydroxyglutarate dehydrogenase; plus strand). Cytogenetic location: 2q37.3.
Variant type: single nucleotide variant.
Coding change: c.1285G>A on transcript NM_152783.5 (MANE Select); coding-DNA position 1285, G replaced by A.
Protein change: p.Val429Met; replaces valine 429 with methionine.
Molecular consequence: missense variant. On other transcripts: non-coding transcript variant (1).
Genome position (GRCh38, 1-based): chr2:241,755,993, G>A. VCF-style: chr2-241755993-G-A. GRCh37 (hg19) VCF-style: chr2-242695408-G-A.
Other names: c.883G>A, p.Val295Met (NM_001287249.2); c.724G>A, p.Val242Met (NM_001352824.2); short protein forms V242M, V295M, V429M.
Identifiers: ClinVar variation 1015220 (VCV001015220.8), dbSNP rs769624048, ClinGen allele CA2222148.
Genomic context (GRCh38, chr2:241,755,993, plus strand): 5'-GAGCGGCTCTACGACATCGTGACTGACCTGCGCGCCCGCCTCGGCCCGCACGCCAAGCAC[G>A]TGGTGGGCTATGGCCACCTTGGTGAGCGGCGCCCCGGGGCCGCGGCCCTGTGTGTGCTGG-3'
Protein context (NP_689996.4, residues 419-439): RARLGPHAKH[Val429Met]VGYGHLGDGN